The following is an entry in ClinVar:

NM_003638.3(ITGA8):c.1353C>A (p.Gly451=)

Gene: ITGA8 (integrin subunit alpha 8; minus strand). Cytogenetic location: 10p13.
Variant type: single nucleotide variant.
Coding change: c.1353C>A on transcript NM_003638.3 (MANE Select); coding-DNA position 1353, C replaced by A.
Protein change: p.Gly451=; no amino-acid change (glycine 451 retained).
Molecular consequence: synonymous variant.
Genome position (GRCh38, 1-based): chr10:15,644,076, G>T on the plus strand (C>A on the coding strand, the complement: ITGA8 is on the minus strand). VCF-style: chr10-15644076-G-T. GRCh37 (hg19) VCF-style: chr10-15686075-G-T.
Other names: c.1308C>A, p.Gly436= (NM_001291494.2).
Identifiers: ClinVar variation 3778270 (VCV003778270.7).

ClinVar aggregate classification (germline): Likely benign (1 of 4 stars; one submission).

gnomAD v4.1: 71 of 1,613,878 alleles (0.0044%); highest among the groups gnomAD compares: Non-Finnish European, 0.0059%; no homozygotes.

Submission:

CeGaT Center for Human Genetics Tuebingen
Classification: Likely benign. Last evaluated: 2025-03-01. Review status: criteria provided, single submitter. Criteria: CeGaT Center For Human Genetics Tuebingen Variant Classification Criteria Version 2. Collection method: clinical testing. Allele origin: germline. Affected: yes. Observed: 1 variant allele.
Comment: ITGA8: BP4, BP7